The following is an entry in ClinVar:

ClinVar aggregate classification (germline): Conflicting classifications of pathogenicity. Review status: criteria provided, conflicting classifications (1 of 4 stars). 6 submissions from 6 submitters: Uncertain significance (5); Likely benign (1). Last evaluated 2026-10-01.

Conditions:
CTNNA1-related disorder. Also called: CTNNA1-related condition.
Hereditary cancer-predisposing syndrome. Also called: Neoplastic Syndromes, Hereditary; Hereditary neoplastic syndrome; Hereditary Cancer Syndrome; Tumor predisposition. Identifiers: Orphanet 140162, MedGen C0027672, MeSH D009386, MONDO:0015356.
Patterned macular dystrophy 2. Identifiers: Orphanet 99001, MedGen C1837029, MONDO:0012162, OMIM 608970.
Hereditary diffuse gastric adenocarcinoma (HDGC). Also called: DIFFUSE GASTRIC AND LOBULAR BREAST CANCER SYNDROME. Identifiers: Orphanet 26106, MedGen C1708349, MONDO:0007648, OMIM 137215.

Allele frequency attached by ClinVar (database versions not stated): gnomAD exomes 0.00001; TOPMed 0.00001; ExAC 0.00002; gnomAD 0.00003.
gnomAD v4.1: 23 of 1,613,996 alleles (0.0014%); highest among the groups gnomAD compares: African/African-American, 0.0027%; no homozygotes.

Submissions (6):

St. Jude Molecular Pathology, St. Jude Children's Research Hospital
Classification: Uncertain significance for Hereditary diffuse gastric adenocarcinoma. Last evaluated: 2026-10-01. Review status: criteria provided, single submitter. Criteria: St. Jude Assertion Criteria 2020. Collection method: clinical testing. Allele origin: germline.
Comment: The CTNNA1 c.1799C>T p.(Ser600Leu) missense change has a maximum subpopulation frequency of 0.005% in gnomAD v2.1.1 (g/). The in silico tool REVEL predicts a benign effect on protein function, but this prediction has not been confirmed by functional studies. This variant has been reported in a cohort that included individuals with a personal/family history of gastric a nd/or breast cancer as well as individuals without history of gastric or breast cancer who were undergoing CTNNA1 testing (PMID: 32051609). In summary, the evidence currently available is insufficient to determine the clinical significance of this varian t. It has therefore been classified as of uncertain significance.

Labcorp Genetics (formerly Invitae), Labcorp
Classification: Uncertain significance. Last evaluated: 2025-10-27. Review status: criteria provided, single submitter. Criteria: Invitae Variant Classification Sherloc (09022015). Collection method: clinical testing. Allele origin: germline.
Comment: This sequence change replaces serine, which is neutral and polar, with leucine, which is neutral and non-polar, at codon 600 of the CTNNA1 protein (p.Ser600Leu). This variant is present in population databases (rs761567176, gnomAD 0.005%). This variant has not been reported in the literature in individuals affected with CTNNA1-related conditions. ClinVar contains an entry for this variant (Variation ID: 662924). Invitae Evidence Modeling of protein sequence and biophysical properties (such as structural, functional, and spatial information, amino acid conservation, physicochemical variation, residue mobility, and thermodynamic stability) indicates that this missense variant is not expected to disrupt CTNNA1 protein function with a negative predictive value of 80%. In summary, the available evidence is currently insufficient to determine the role of this variant in disease. Therefore, it has been classified as a Variant of Uncertain Significance.

PreventionGenetics, part of Exact Sciences
Classification: Uncertain significance for CTNNA1-related condition. Last evaluated: 2025-07-21. Review status: criteria provided, single submitter. Criteria: ACMG Guidelines, 2015. Collection method: clinical testing. Allele origin: germline.
Comment: The CTNNA1 c.1799C>T variant is predicted to result in the amino acid substitution p.Ser600Leu. This variant was reported in 14 individuals undergoing multigene hereditary cancer testing for breast and/or gastric cancers (supplemental Table 1, Clark et al. 2020. PubMed ID: 32051609); however, details regarding personal and/or family history of cancer, including if said individuals were affected or unaffected, was not provided. This variant is reported in 0.0050% of alleles in individuals of East Asian descent in gnomAD and has conflicting interpretations of pathogenicity in ClinVar ranging from uncertain to likely benign. At this time, the clinical significance of this variant is uncertain due to the absence of conclusive functional and genetic evidence.

Baylor Genetics
Classification: Uncertain significance for Patterned macular dystrophy 2. Last evaluated: 2024-03-15. Review status: criteria provided, single submitter. Criteria: ACMG Guidelines, 2015. Collection method: clinical testing. Allele origin: unknown.

GeneDx
Classification: Uncertain significance. Last evaluated: 2023-08-29. Review status: criteria provided, single submitter. Criteria: GeneDx Variant Classification Process June 2021. Collection method: clinical testing. Allele origin: germline. Affected: yes.
Comment: In silico analysis supports that this missense variant has a deleterious effect on protein structure/function; Reported in individuals undergoing multi-gene hereditary cancer panel testing for whom details regarding personal or family history of cancer were not provided (Clark et al., 2020); This variant is associated with the following publications: (PMID: 32051609)

Ambry Genetics
Classification: Likely benign for Hereditary cancer-predisposing syndrome. Last evaluated: 2022-06-10. Review status: criteria provided, single submitter. Criteria: Ambry Variant Classification Scheme 2023. Collection method: clinical testing. Allele origin: germline.

NM_001903.5(CTNNA1):c.1799C>T (p.Ser600Leu)

Gene: CTNNA1 (catenin alpha 1; plus strand). Cytogenetic location: 5q31.2.
Variant type: single nucleotide variant.
Coding change: c.1799C>T on transcript NM_001903.5 (MANE Select); coding-DNA position 1799, C replaced by T.
Protein change: p.Ser600Leu; replaces serine 600 with leucine.
Molecular consequence: missense variant.
Genome position (GRCh38, 1-based): chr5:138,925,307, C>T. VCF-style: chr5-138925307-C-T. GRCh37 (hg19) VCF-style: chr5-138260996-C-T.
Other names: c.689C>T, p.Ser230Leu (NM_001323992.1, NM_001323993.1, NM_001323994.1 and 17 more transcripts); c.1799C>T, p.Ser600Leu (NM_001290307.3, NM_001323982.2, NM_001323983.1 and 2 more transcripts); c.1490C>T, p.Ser497Leu (NM_001290309.3); c.1430C>T, p.Ser477Leu (NM_001290310.3); c.1706C>T, p.Ser569Leu (NM_001323986.2); c.350C>T, p.Ser117Leu (NM_001324006.1, NM_001324007.1, NM_001324008.1 and 2 more transcripts); c.596C>T, p.Ser199Leu (NM_001324011.1); c.446C>T, p.Ser149Leu (NM_001324012.1, NM_001324013.1); and 1 more; short protein forms S117L, S149L, S569L, S199L, S230L, S477L, S497L, S600L.
Identifiers: ClinVar variation 662924 (VCV000662924.19), dbSNP rs761567176, ClinGen allele CA3432037.